The following is an entry in ClinVar:

NM_000103.4(CYP19A1):c.1310G>A (p.Cys437Tyr)

Genes: PIRC66 (piwi-interacting RNA cluster 66; plus strand), MIR4713HG (MIR4713 host gene; plus strand), CYP19A1 (cytochrome P450 family 19 subfamily A member 1; minus strand). Cytogenetic location: 15q21.2.
Variant type: single nucleotide variant.
Coding change: c.1310G>A on transcript NM_000103.4 (MANE Select); coding-DNA position 1310, G replaced by A.
Protein change: p.Cys437Tyr; replaces cysteine 437 with tyrosine.
Molecular consequence: missense variant.
Genome position (GRCh38, 1-based): chr15:51,211,010, C>T on the plus strand (G>A on the coding strand, the complement: CYP19A1 is on the minus strand). VCF-style: chr15-51211010-C-T. GRCh37 (hg19) VCF-style: chr15-51503207-C-T.
Other names: c.1310G>A, p.Cys437Tyr (NM_001347248.1, NM_001347249.2, NM_001347250.2 and 7 more transcripts); c.1310G>A (NM_031226.2); short protein forms C437Y.
Identifiers: ClinVar variation 17816 (VCV000017816.2), dbSNP rs78310315, ClinGen allele CA127456.

ClinVar aggregate classification (germline): Likely pathogenic. Review status: criteria provided, single submitter (1 of 4 stars). 2 submissions from 2 submitters: Likely pathogenic (1). 1 of the submissions does not count toward it. Last evaluated 2025-10-29.

Conditions:
Aromatase deficiency. Also called: PSEUDOHERMAPHRODITISM, FEMALE, DUE TO PLACENTAL AROMATASE DEFICIENCY; Increased aromatase activity. Identifiers: Orphanet 91, MedGen C1960539, MONDO:0013301, OMIM 613546.

Allele frequency attached by ClinVar (database versions not stated): gnomAD exomes below 0.00001.
gnomAD v4.1: 8 of 1,590,916 alleles (0.0005%); highest among the groups gnomAD compares: Non-Finnish European, 0.00043%; no homozygotes.

Submissions (2):

Natera, Inc.
Classification: Likely pathogenic for Aromatase deficiency. Last evaluated: 2025-10-29. Review status: criteria provided, single submitter. Criteria: Natera Variant Classification Schema (03/2026). Collection method: clinical testing. Allele origin: germline.
Comment: The c.1310G>A variant in CYP19A1 is a missense variant predicted to cause substitution of cysteine to tyrosine at amino acid 437. This variant is rare in the general population with a frequency below the threshold expected for the associated phenotype(s). This variant has been observed in one or more individuals affected with the associated recessive disease, as either homozygous or compound heterozygous with a second variant (PMID: 8265607). Functional studies show that this variant may disrupt protein function (PMID: 8265607). Computational prediction algorithms indicate this variant is likely to affect gene or protein function. Given the available evidence, this variant is classified as Likely Pathogenic.

OMIM
Classification: Pathogenic for AROMATASE DEFICIENCY. Last evaluated: 1993-12-15. Review status: no assertion criteria provided. Collection method: literature only. Allele origin: germline. Not counted in ClinVar's aggregate classification.

Literature cited by the submitters: PubMed 8265607 (cited by Natera, Inc. and OMIM).